The following is an entry in ClinVar:

ClinVar aggregate classification (germline): Likely benign (1 of 4 stars; one submission).

gnomAD v4.1: 3,401 of 1,614,186 alleles (0.21%); highest among the groups gnomAD compares: Non-Finnish European, 0.17%; 14 homozygotes.

Submission:

CeGaT Center for Human Genetics Tuebingen
Classification: Likely benign. Last evaluated: 2025-02-01. Review status: criteria provided, single submitter. Criteria: CeGaT Center For Human Genetics Tuebingen Variant Classification Criteria Version 2. Collection method: clinical testing. Allele origin: germline. Affected: yes. Observed: 1 variant allele.
Comment: NCOA3: BP4, BS2

NM_181659.3(NCOA3):c.3353A>C (p.Gln1118Pro)

Gene: NCOA3 (nuclear receptor coactivator 3; plus strand). Cytogenetic location: 20q13.12.
Variant type: single nucleotide variant.
Coding change: c.3353A>C on transcript NM_181659.3 (MANE Select); coding-DNA position 3353, A replaced by C.
Protein change: p.Gln1118Pro; replaces glutamine 1118 with proline.
Molecular consequence: missense variant.
Genome position (GRCh38, 1-based): chr20:47,647,173, A>C. VCF-style: chr20-47647173-A-C. GRCh37 (hg19) VCF-style: chr20-46275917-A-C.
Other names: c.3353A>C, p.Gln1118Pro (NM_001174087.2, NM_006534.4); c.3338A>C, p.Gln1113Pro (NM_001174088.2); short protein forms Q1113P, Q1118P.
Identifiers: ClinVar variation 3770606 (VCV003770606.13).